The following is an entry in ClinVar:

ClinVar aggregate classification (germline): Likely benign. Review status: criteria provided, multiple submitters, no conflicts (2 of 4 stars). 5 submissions from 5 submitters: Likely benign (5). Last evaluated 2025-07-16.

Conditions:
APOB-related disorder. Also called: APOB-related disorders; APOB-related condition.
Cardiovascular phenotype. Identifiers: MedGen CN230736.
Familial hypercholesterolemia. Also called: Familial hypercholesterolemias; Familial hypercholesterolaemia. Identifiers: MedGen C0020445, MONDO:0005439.
Hypercholesterolemia, autosomal dominant, type B (FHCL2). Also called: APOB-Related Familial Hypercholesterolemia, Autosomal Dominant; Familial Hypercholesterolemia Type B; APOLIPOPROTEIN B-100, FAMILIAL DEFECTIVE; APOLIPOPROTEIN B-100, FAMILIAL LIGAND-DEFECTIVE; Familial hypercholesterolemia 2; HYPERCHOLESTEROLEMIA, FAMILIAL, DUE TO LIGAND-DEFECTIVE APOLIPOPROTEIN B. Identifiers: MedGen C1704417, MONDO:0007751, OMIM 144010.
Familial hypobetalipoproteinemia 1. Also called: APOB-Related Familial Hypobetalipoproteinemia; Hypobetalipoproteinemia, normotriglyceridemic; Acanthocytosis with hypobetalipoproteinemia. Identifiers: MedGen C4551990, MONDO:0014252, OMIM 615558.

Allele frequency attached by ClinVar (database versions not stated): gnomAD exomes 0.00002; ExAC 0.00003.
gnomAD v4.1: 9 of 1,614,024 alleles (0.00056%); highest among the groups gnomAD compares: South Asian, 0.0088%; no homozygotes.

Submissions (5):

PreventionGenetics, part of Exact Sciences
Classification: Likely benign for APOB-related condition. Last evaluated: 2025-07-16. Review status: criteria provided, single submitter. Criteria: ACMG Guidelines, 2015. Collection method: clinical testing. Allele origin: germline.
Comment: This variant is classified as likely benign based on ACMG/AMP sequence variant interpretation guidelines (Richards et al. 2015 PMID: 25741868, with internal and published modifications).

Labcorp Genetics (formerly Invitae), Labcorp
Classification: Likely benign for Familial hypobetalipoproteinemia 1; Hypercholesterolemia, autosomal dominant, type B. Last evaluated: 2025-06-15. Review status: criteria provided, single submitter. Criteria: Invitae Variant Classification Sherloc (09022015). Collection method: clinical testing. Allele origin: germline.

GENinCode PLC
Classification: Likely benign for Familial hypercholesterolemia. Last evaluated: 2025-01-09. Review status: criteria provided, single submitter. Criteria: ACMG Guidelines, 2015. Collection method: clinical testing. Allele origin: germline.
Comment: This is a synonymous (silent) variant that is not predicted to impact splicing and occurs at a nucleotide which is not highly conserved. This variant has been classified as Likely Benign (BP4, BP7).

Ambry Genetics
Classification: Likely benign for Cardiovascular phenotype. Last evaluated: 2024-07-28. Review status: criteria provided, single submitter. Criteria: Ambry Variant Classification Scheme 2023. Collection method: clinical testing. Allele origin: germline.

Blueprint Genetics
Classification: Likely benign. Last evaluated: 2024-05-16. Review status: criteria provided, single submitter. Criteria: ACMG Guidelines, 2015. Collection method: clinical testing. Allele origin: germline.

NM_000384.3(APOB):c.4899T>C (p.Thr1633=)

Gene: APOB (apolipoprotein B; minus strand). Cytogenetic location: 2p24.1.
Variant type: single nucleotide variant.
Coding change: c.4899T>C on transcript NM_000384.3 (MANE Select); coding-DNA position 4899, T replaced by C.
Protein change: p.Thr1633=; no amino-acid change (threonine 1633 retained).
Molecular consequence: synonymous variant.
Genome position (GRCh38, 1-based): chr2:21,011,969, A>G on the plus strand (T>C on the coding strand, the complement: APOB is on the minus strand). VCF-style: chr2-21011969-A-G. GRCh37 (hg19) VCF-style: chr2-21234841-A-G.
Identifiers: ClinVar variation 3414705 (VCV003414705.5), dbSNP rs752167595.